The following is an entry in ClinVar:

NM_014797.3(ZBTB24):c.553C>T (p.Gln185Ter)

Gene: ZBTB24 (zinc finger and BTB domain containing 24; minus strand). Cytogenetic location: 6q21.
Variant type: single nucleotide variant.
Coding change: c.553C>T on transcript NM_014797.3 (MANE Select); coding-DNA position 553, C replaced by T.
Protein change: p.Gln185Ter; replaces glutamine 185 with a stop codon.
Molecular consequence: nonsense.
Genome position (GRCh38, 1-based): chr6:109,481,474, G>A on the plus strand (C>T on the coding strand, the complement: ZBTB24 is on the minus strand). VCF-style: chr6-109481474-G-A. GRCh37 (hg19) VCF-style: chr6-109802677-G-A.
Other names: c.553C>T, p.Gln185Ter (NM_001164313.2); short protein forms Q185*.
Identifiers: ClinVar variation 3893295 (VCV003893295.1).

ClinVar aggregate classification (germline): Pathogenic (0 of 4 stars; one submission).

Conditions:
Immunodeficiency-centromeric instability-facial anomalies syndrome 2 (ICF2). Identifiers: Orphanet 2268, MedGen C3279748, MONDO:0013553, OMIM 614069.

Submission:

Precision Medicine Lab Center, Yangjiang People's Hospital
Classification: Pathogenic for Immunodeficiency-centromeric instability-facial anomalies syndrome 2. Last evaluated: 2024-09-27. Review status: no assertion criteria provided. Collection method: clinical testing. Allele origin: germline. Affected: yes. Observed: 1 variant allele.
Comment: The ZBTB24:c.553C>T pure missense mutation results in a premature termination codon that is expected to cause a truncation of the encoded protein. Patients with this variant have recurrent infections, growth retardation, facial abnormalities such as frontal width, facial smallness, and chin retraction. Based on the above evidence, this variant is classified as pathogenic.